The following is an entry in ClinVar:

NM_004304.5(ALK):c.527G>C (p.Trp176Ser)

Gene: ALK (ALK receptor tyrosine kinase; minus strand). Cytogenetic location: 2p23.1.
Variant type: single nucleotide variant.
Coding change: c.527G>C on transcript NM_004304.5 (MANE Select); coding-DNA position 527, G replaced by C.
Protein change: p.Trp176Ser; replaces tryptophan 176 with serine.
Molecular consequence: missense variant.
Genome position (GRCh38, 1-based): chr2:29,920,133, C>G on the plus strand (G>C on the coding strand, the complement: ALK is on the minus strand). VCF-style: chr2-29920133-C-G. GRCh37 (hg19) VCF-style: chr2-30142999-C-G.
Other names: short protein forms W176S.
Identifiers: ClinVar variation 1746554 (VCV001746554.6), dbSNP rs2148443056, ClinGen allele CA346589869.
Genomic context (GRCh38, chr2:29,920,133, plus strand): 5'-GACGCCTTCTTCTCGGGCATCAGGCGGATCCTCAGTCGCCCTTCGCCTTGGCGAATCCAC[C>G]AACTGAACAGCTCGCTGAGATTGAACTGGAGCAGCCCCACAGCCGCCTCCCCGGGGGGCC-3'
Protein context (NP_004295.2, residues 166-186): LQFNLSELFS[Trp176Ser]WIRQGEGRLR

ClinVar aggregate classification (germline): Uncertain significance. Review status: criteria provided, multiple submitters, no conflicts (2 of 4 stars). 2 submissions from 2 submitters: Uncertain significance (2). Last evaluated 2025-04-18.

Conditions:
Neuroblastoma, susceptibility to, 3. Also called: ALK-Related Neuroblastic Tumor Susceptibility. Identifiers: Orphanet 635, MedGen C2751681, MONDO:0013083, OMIM 613014.
Hereditary cancer-predisposing syndrome. Also called: Neoplastic Syndromes, Hereditary; Tumor predisposition; Hereditary Cancer Syndrome; Hereditary neoplastic syndrome. Identifiers: Orphanet 140162, MedGen C0027672, MeSH D009386, MONDO:0015356.

Submissions (2):

Ambry Genetics
Classification: Uncertain significance for Hereditary cancer-predisposing syndrome. Last evaluated: 2025-04-18. Review status: criteria provided, single submitter. Criteria: Ambry Variant Classification Scheme 2023. Collection method: clinical testing. Allele origin: germline.
Comment: The p.W176S variant (also known as c.527G>C), located in coding exon 1 of the ALK gene, results from a G to C substitution at nucleotide position 527. The tryptophan at codon 176 is replaced by serine, an amino acid with highly dissimilar properties. This amino acid position is conserved. In addition, this alteration is predicted to be deleterious by in silico analysis. Since supporting evidence is limited at this time, the clinical significance of this alteration remains unclear.

Labcorp Genetics (formerly Invitae), Labcorp
Classification: Uncertain significance for Neuroblastoma, susceptibility to, 3. Last evaluated: 2024-12-23. Review status: criteria provided, single submitter. Criteria: Invitae Variant Classification Sherloc (09022015). Collection method: clinical testing. Allele origin: germline.
Comment: This sequence change replaces tryptophan, which is neutral and slightly polar, with serine, which is neutral and polar, at codon 176 of the ALK protein (p.Trp176Ser). This variant is not present in population databases (gnomAD no frequency). This variant has not been reported in the literature in individuals affected with ALK-related conditions. ClinVar contains an entry for this variant (Variation ID: 1746554). An algorithm developed to predict the effect of missense changes on protein structure and function (PolyPhen-2) suggests that this variant is likely to be disruptive. In summary, the available evidence is currently insufficient to determine the role of this variant in disease. Therefore, it has been classified as a Variant of Uncertain Significance.